The following is an entry in ClinVar:

NM_004385.5(VCAN):c.2336A>C (p.Tyr779Ser)

Gene: VCAN (versican; plus strand). Cytogenetic location: 5q14.3.
Variant type: single nucleotide variant.
Coding change: c.2336A>C on transcript NM_004385.5 (MANE Select); coding-DNA position 2336, A replaced by C.
Protein change: p.Tyr779Ser; replaces tyrosine 779 with serine.
Molecular consequence: missense variant. On other transcripts: intron variant (2).
Genome position (GRCh38, 1-based): chr5:83,520,642, A>C. VCF-style: chr5-83520642-A-C. GRCh37 (hg19) VCF-style: chr5-82816461-A-C.
Other names: c.2336A>C, p.Tyr779Ser (NM_001164098.2); c.1042+8246A>C (NM_001164097.2, NM_001126336.3); short protein forms Y779S.
Identifiers: ClinVar variation 1925698 (VCV001925698.5), dbSNP rs1319022888, ClinGen allele CA360303712.

ClinVar aggregate classification (germline): Uncertain significance (1 of 4 stars; one submission).

Allele frequency attached by ClinVar (database versions not stated): gnomAD exomes below 0.00001; TOPMed below 0.00001; gnomAD 0.00001.
gnomAD v4.1: 4 of 1,613,890 alleles (0.00025%); highest among the groups gnomAD compares: Non-Finnish European, 0.00034%; no homozygotes.

Submission:

Labcorp Genetics (formerly Invitae), Labcorp
Classification: Uncertain significance. Last evaluated: 2022-05-06. Review status: criteria provided, single submitter. Criteria: Invitae Variant Classification Sherloc (09022015). Collection method: clinical testing. Allele origin: germline.
Comment: In summary, the available evidence is currently insufficient to determine the role of this variant in disease. Therefore, it has been classified as a Variant of Uncertain Significance. Algorithms developed to predict the effect of missense changes on protein structure and function output the following: SIFT: "Tolerated"; PolyPhen-2: "Benign"; Align-GVGD: "Class C0". The serine amino acid residue is found in multiple mammalian species, which suggests that this missense change does not adversely affect protein function. This variant has not been reported in the literature in individuals affected with VCAN-related conditions. This variant is present in population databases (no rsID available, gnomAD 0.002%). This sequence change replaces tyrosine, which is neutral and polar, with serine, which is neutral and polar, at codon 779 of the VCAN protein (p.Tyr779Ser).